The following is an entry in ClinVar:

NM_020831.6(MRTFA):c.2098A>G (p.Ser700Gly)

Gene: MRTFA (myocardin related transcription factor A; minus strand). Cytogenetic location: 22q13.1.
Variant type: single nucleotide variant.
Coding change: c.2098A>G on transcript NM_020831.6 (MANE Select); coding-DNA position 2098, A replaced by G.
Protein change: p.Ser700Gly; replaces serine 700 with glycine.
Molecular consequence: missense variant.
Genome position (GRCh38, 1-based): chr22:40,418,640, T>C on the plus strand (A>G on the coding strand, the complement: MRTFA is on the minus strand). VCF-style: chr22-40418640-T-C. GRCh37 (hg19) VCF-style: chr22-40814644-T-C.
Other names: c.1798A>G, p.Ser600Gly (NM_001282660.2); c.1948A>G, p.Ser650Gly (NM_001282661.3); c.2098A>G, p.Ser700Gly (NM_001282662.3); c.1903A>G, p.Ser635Gly (NM_001318139.2); short protein forms S600G, S635G, S650G, S700G.
Identifiers: ClinVar variation 1682995 (VCV001682995.8), dbSNP rs1170386629, ClinGen allele CA411658403.
Genomic context (GRCh38, chr22:40,418,640, plus strand): 5'-ACGGGGGCCCCGGGGCCACAGCACAAGGGTCTATGTGGTTGGTGGCTGGGGCCGCCAGGC[T>C]GGGGTTGAATGGGTGAGCGGGGCCCAGGGGCTGCTGGCTCAGCTGGCAGCTGGAGAAGCT-3'
Protein context (NP_065882.2, residues 690-710): PLGPAHPFNP[Ser700Gly]LAAPATNHID

ClinVar aggregate classification (germline): Uncertain significance (1 of 4 stars; one submission).

Allele frequency attached by ClinVar (database versions not stated): gnomAD 0.00001.

Submission:

Labcorp Genetics (formerly Invitae), Labcorp
Classification: Uncertain significance. Last evaluated: 2021-04-02. Review status: criteria provided, single submitter. Criteria: Invitae Variant Classification Sherloc (09022015). Collection method: clinical testing. Allele origin: germline.
Comment: In summary, the available evidence is currently insufficient to determine the role of this variant in disease. Therefore, it has been classified as a Variant of Uncertain Significance. Algorithms developed to predict the effect of missense changes on protein structure and function output the following: SIFT: "Tolerated"; PolyPhen-2: "Benign"; Align-GVGD: "Class C0". The glycine amino acid residue is found in multiple mammalian species, suggesting that this missense change does not adversely affect protein function. These predictions have not been confirmed by published functional studies and their clinical significance is uncertain. This variant has not been reported in the literature in individuals with MKL1-related conditions. This variant is not present in population databases (ExAC no frequency). This sequence change replaces serine with glycine at codon 600 of the MKL1 protein (p.Ser600Gly). The serine residue is moderately conserved and there is a small physicochemical difference between serine and glycine.